The following is an entry in ClinVar:

ClinVar aggregate classification (germline): Uncertain significance (0 of 4 stars; one submission).

Conditions:
BDNF-related disorder. Also called: BDNF-related condition.

Allele frequency attached by ClinVar (database versions not stated): TOPMed below 0.00001; gnomAD 0.00001; gnomAD exomes 0.00005; ExAC 0.00016.

Submission:

PreventionGenetics, part of Exact Sciences
Classification: Uncertain significance for BDNF-related condition. Last evaluated: 2024-08-05. Review status: no assertion criteria provided. Collection method: clinical testing. Allele origin: germline.
Comment: The BDNF c.611T>C variant is predicted to result in the amino acid substitution p.Met204Thr. This variant has been reported in the homozygous state in an individual with intellectual disability (referred to as c.365T>C, p.Met122Thr in table 2, Harripaul et al. 2017. PubMed ID: 28397838). This variant is reported in 0.095% of alleles in individuals of South Asian descent in gnomAD. Although we suspect that this variant may be benign, at this time, the clinical significance of this variant is uncertain due to the absence of conclusive functional and genetic evidence.

NM_001709.5(BDNF):c.365T>C (p.Met122Thr)

Genes: BDNF (brain derived neurotrophic factor; minus strand), BDNF-AS (BDNF antisense RNA; plus strand). Cytogenetic location: 11p14.1.
Variant type: single nucleotide variant.
Coding change: c.365T>C on transcript NM_001709.5 (MANE Select); coding-DNA position 365, T replaced by C.
Protein change: p.Met122Thr; replaces methionine 122 with threonine.
Molecular consequence: missense variant.
Genome position (GRCh38, 1-based): chr11:27,658,200, A>G on the plus strand (T>C on the coding strand, the complement: BDNF is on the minus strand). VCF-style: chr11-27658200-A-G. GRCh37 (hg19) VCF-style: chr11-27679747-A-G.
Other names: c.365T>C, p.Met122Thr (NM_001143805.1, NM_001143806.1, NM_001143807.2 and 9 more transcripts); c.452T>C, p.Met151Thr (NM_001143809.2); c.611T>C, p.Met204Thr (NM_001143810.2); c.389T>C, p.Met130Thr (NM_170731.5); c.410T>C, p.Met137Thr (NM_170734.4); short protein forms M122T, M130T, M137T, M151T, M204T.
Identifiers: ClinVar variation 2628764 (VCV002628764.2), dbSNP rs765594245, ClinGen allele CA5929103.